The following is an entry in ClinVar:

ClinVar aggregate classification (germline): Uncertain significance (1 of 4 stars; one submission).

Conditions:
Fanconi anemia (FA). Also called: Fanconi's anemia. Identifiers: Orphanet 84, MedGen C0015625, MeSH D005199, MONDO:0019391.

Submission:

Labcorp Genetics (formerly Invitae), Labcorp
Classification: Uncertain significance for Fanconi anemia. Last evaluated: 2024-07-26. Review status: criteria provided, single submitter. Criteria: Invitae Variant Classification Sherloc (09022015). Collection method: clinical testing. Allele origin: germline.
Comment: This sequence change replaces leucine, which is neutral and non-polar, with phenylalanine, which is neutral and non-polar, at codon 1809 of the FANCM protein (p.Leu1809Phe). This variant is not present in population databases (gnomAD no frequency). This variant has not been reported in the literature in individuals affected with FANCM-related conditions. An algorithm developed to predict the effect of missense changes on protein structure and function outputs the following: PolyPhen-2: "Benign". The phenylalanine amino acid residue is found in multiple mammalian species, which suggests that this missense change does not adversely affect protein function. In summary, the available evidence is currently insufficient to determine the role of this variant in disease. Therefore, it has been classified as a Variant of Uncertain Significance.

NM_020937.4(FANCM):c.5425C>T (p.Leu1809Phe)

Gene: FANCM (FA complementation group M; plus strand). Cytogenetic location: 14q21.2.
Variant type: single nucleotide variant.
Coding change: c.5425C>T on transcript NM_020937.4 (MANE Select); coding-DNA position 5425, C replaced by T.
Protein change: p.Leu1809Phe; replaces leucine 1809 with phenylalanine.
Molecular consequence: missense variant.
Genome position (GRCh38, 1-based): chr14:45,196,256, C>T. VCF-style: chr14-45196256-C-T. GRCh37 (hg19) VCF-style: chr14-45665459-C-T.
Other names: c.5347C>T, p.Leu1783Phe (NM_001308133.2); short protein forms L1783F, L1809F.
Identifiers: ClinVar variation 3658340 (VCV003658340.2).